The following is an entry in ClinVar:

ClinVar aggregate classification (germline): Uncertain significance (1 of 4 stars; one submission).

Submission:

GeneDx
Classification: Uncertain significance. Last evaluated: 2024-11-15. Review status: criteria provided, single submitter. Criteria: GeneDx Variant Classification Process June 2021. Collection method: clinical testing. Allele origin: germline. Affected: yes.
Comment: Has not been previously published as pathogenic or benign to our knowledge; Nonsense variant predicted to result in protein truncation or nonsense mediated decay in a gene or region of a gene for which loss of function is not a well-established mechanism of disease; Not observed at significant frequency in large population cohorts (gnomAD)

NM_001386135.1(AFF3):c.347C>A (p.Ser116Ter)

Gene: AFF3 (ALF transcription elongation factor 3; minus strand). Cytogenetic location: 2q11.2.
Variant type: single nucleotide variant.
Coding change: c.347C>A on transcript NM_001386135.1 (MANE Select); coding-DNA position 347, C replaced by A.
Protein change: p.Ser116Ter; replaces serine 116 with a stop codon.
Molecular consequence: nonsense.
Genome position (GRCh38, 1-based): chr2:100,007,288, G>T on the plus strand (C>A on the coding strand, the complement: AFF3 is on the minus strand). VCF-style: chr2-100007288-G-T. GRCh37 (hg19) VCF-style: chr2-100623750-G-T.
Other names: c.422C>A, p.Ser141Ter (NM_001025108.2); c.347C>A, p.Ser116Ter (NM_002285.3); short protein forms S116*, S141*.
Identifiers: ClinVar variation 3899739 (VCV003899739.1).